The following is an entry in ClinVar:

ClinVar aggregate classification (germline): Uncertain significance. Review status: criteria provided, multiple submitters, no conflicts (2 of 4 stars). 2 submissions from 2 submitters: Uncertain significance (2). Last evaluated 2024-06-12.

Conditions:
MHC class II deficiency. Also called: Bare lymphocyte syndrome 2; BLS, TYPE II. Identifiers: Orphanet 572, MedGen C5447452, MONDO:0008855.
Inborn genetic diseases. Identifiers: MedGen C0950123, MeSH D030342.

Allele frequency attached by ClinVar (database versions not stated): gnomAD 0.00001.
gnomAD v4.1: 7 of 1,614,004 alleles (0.00043%); highest among the groups gnomAD compares: South Asian, 0.0033%; no homozygotes.

Submissions (2):

Labcorp Genetics (formerly Invitae), Labcorp
Classification: Uncertain significance for MHC class II deficiency. Last evaluated: 2024-06-12. Review status: criteria provided, single submitter. Criteria: Invitae Variant Classification Sherloc (09022015). Collection method: clinical testing. Allele origin: germline.
Comment: This sequence change replaces alanine, which is neutral and non-polar, with threonine, which is neutral and polar, at codon 1036 of the CIITA protein (p.Ala1036Thr). This variant is present in population databases (no rsID available, gnomAD 0.006%). This variant has not been reported in the literature in individuals affected with CIITA-related conditions. ClinVar contains an entry for this variant (Variation ID: 2255811). An algorithm developed to predict the effect of missense changes on protein structure and function (PolyPhen-2) suggests that this variant is likely to be disruptive. In summary, the available evidence is currently insufficient to determine the role of this variant in disease. Therefore, it has been classified as a Variant of Uncertain Significance.

Ambry Genetics
Classification: Uncertain significance for Inborn genetic diseases. Last evaluated: 2021-10-19. Review status: criteria provided, single submitter. Criteria: Ambry Variant Classification Scheme 2023. Collection method: clinical testing. Allele origin: germline.

NM_000246.4(CIITA):c.3106G>A (p.Ala1036Thr)

Gene: CIITA (class II major histocompatibility complex transactivator; plus strand). Cytogenetic location: 16p13.13.
Variant type: single nucleotide variant.
Coding change: c.3106G>A on transcript NM_000246.4 (MANE Select); coding-DNA position 3106, G replaced by A.
Protein change: p.Ala1036Thr; replaces alanine 1036 with threonine.
Molecular consequence: missense variant. On other transcripts: non-coding transcript variant (1).
Genome position (GRCh38, 1-based): chr16:10,918,483, G>A. VCF-style: chr16-10918483-G-A. GRCh37 (hg19) VCF-style: chr16-11012340-G-A.
Other names: c.3109G>A, p.Ala1037Thr (NM_001286402.1, NM_001379332.1); c.1354G>A, p.Ala452Thr (NM_001286403.2); c.2962G>A, p.Ala988Thr (NM_001379330.1); c.2959G>A, p.Ala987Thr (NM_001379331.1); c.3106G>A, p.Ala1036Thr (NM_001379333.1); c.3037G>A, p.Ala1013Thr (NM_001379334.1); short protein forms A1036T, A1037T, A452T, A988T, A1013T, A987T.
Identifiers: ClinVar variation 2255811 (VCV002255811.4), dbSNP rs775994032, ClinGen allele CA394722746.